The following is an entry in ClinVar:

NM_001354930.2(RIPK1):c.1529A>G (p.Tyr510Cys)

Gene: RIPK1 (receptor interacting serine/threonine kinase 1; plus strand). Cytogenetic location: 6p25.2.
Variant type: single nucleotide variant.
Coding change: c.1529A>G on transcript NM_001354930.2 (MANE Select); coding-DNA position 1529, A replaced by G.
Protein change: p.Tyr510Cys; replaces tyrosine 510 with cysteine.
Molecular consequence: missense variant.
Genome position (GRCh38, 1-based): chr6:3,106,004, A>G. VCF-style: chr6-3106004-A-G. GRCh37 (hg19) VCF-style: chr6-3106238-A-G.
Other names: c.1040A>G, p.Tyr347Cys (NM_001317061.3, NM_001354932.2, NM_001354933.2 and 1 more transcripts); c.1391A>G, p.Tyr464Cys (NM_001354931.2); c.1529A>G, p.Tyr510Cys (NM_003804.6); short protein forms Y347C, Y464C, Y510C.
Identifiers: ClinVar variation 3000263 (VCV003000263.3), dbSNP rs751693210, ClinGen allele CA362573814.
Genomic context (GRCh38, chr6:3,106,004, plus strand): 5'-ACAGGCCAATTCCAAGTCATATGCCTAGTCTGCATAATATCCCAGTGCCTGAGACCAACT[A>G]TCTAGGAAATACACCCACCATGCCATTCAGCTCCTTGCCACCAACAGGTAAATGGGTCTT-3'
Protein context (NP_001341859.1, residues 500-520): LHNIPVPETN[Tyr510Cys]LGNTPTMPFS

ClinVar aggregate classification (germline): Uncertain significance (1 of 4 stars; one submission).

Allele frequency attached by ClinVar (database versions not stated): gnomAD 0.00001; gnomAD exomes 0.00001; TOPMed 0.00001.
gnomAD v4.1: 20 of 1,613,300 alleles (0.0012%); highest among the groups gnomAD compares: Admixed American, 0.0033%; no homozygotes.

Submission:

Labcorp Genetics (formerly Invitae), Labcorp
Classification: Uncertain significance. Last evaluated: 2025-12-24. Review status: criteria provided, single submitter. Criteria: Invitae Variant Classification Sherloc (09022015). Collection method: clinical testing. Allele origin: germline.
Comment: This sequence change replaces tyrosine, which is neutral and polar, with cysteine, which is neutral and slightly polar, at codon 510 of the RIPK1 protein (p.Tyr510Cys). This variant is present in population databases (no rsID available, gnomAD 0.007%). This variant has not been reported in the literature in individuals affected with RIPK1-related conditions. ClinVar contains an entry for this variant (Variation ID: 3000263). An algorithm developed to predict the effect of missense changes on protein structure and function (PolyPhen-2) suggests that this variant is likely to be tolerated. In summary, the available evidence is currently insufficient to determine the role of this variant in disease. Therefore, it has been classified as a Variant of Uncertain Significance.